The following is an entry in ClinVar:

NM_001123385.2(BCOR):c.3758C>T (p.Thr1253Ile)

Gene: BCOR (BCL6 corepressor; minus strand). Cytogenetic location: Xp11.4.
Variant type: single nucleotide variant.
Coding change: c.3758C>T on transcript NM_001123385.2 (MANE Select); coding-DNA position 3758, C replaced by T.
Protein change: p.Thr1253Ile; replaces threonine 1253 with isoleucine.
Molecular consequence: missense variant.
Genome position (GRCh38, 1-based): chrX:40,063,697, G>A on the plus strand (C>T on the coding strand, the complement: BCOR is on the minus strand). VCF-style: chrX-40063697-G-A. GRCh37 (hg19) VCF-style: chrX-39922950-G-A.
Other names: c.3656C>T, p.Thr1219Ile (NM_001123383.2, NM_017745.6); c.3602C>T, p.Thr1201Ile (NM_001123384.2); short protein forms T1219I, T1201I, T1253I.
Identifiers: ClinVar variation 2983999 (VCV002983999.3), dbSNP rs1935026788, ClinGen allele CA412738147.

ClinVar aggregate classification (germline): Uncertain significance (1 of 4 stars; one submission).

Conditions:
Oculofaciocardiodental syndrome (MCOPS2). Identifiers: Orphanet 2712, MedGen C1846265, MONDO:0010261, OMIM 300166.

Allele frequency attached by ClinVar (database versions not stated): gnomAD exomes below 0.00001.
gnomAD v4.1: 1 of 1,211,445 alleles (0.000083%); highest among the groups gnomAD compares: Non-Finnish European, 0.00011%; no homozygotes.

Submission:

Labcorp Genetics (formerly Invitae), Labcorp
Classification: Uncertain significance for Oculofaciocardiodental syndrome. Last evaluated: 2022-12-02. Review status: criteria provided, single submitter. Criteria: Invitae Variant Classification Sherloc (09022015). Collection method: clinical testing. Allele origin: germline.
Comment: In summary, the available evidence is currently insufficient to determine the role of this variant in disease. Therefore, it has been classified as a Variant of Uncertain Significance. Advanced modeling of protein sequence and biophysical properties (such as structural, functional, and spatial information, amino acid conservation, physicochemical variation, residue mobility, and thermodynamic stability) performed at Invitae indicates that this missense variant is not expected to disrupt BCOR protein function. This variant has not been reported in the literature in individuals affected with BCOR-related conditions. This variant is not present in population databases (gnomAD no frequency). This sequence change replaces threonine, which is neutral and polar, with isoleucine, which is neutral and non-polar, at codon 1219 of the BCOR protein (p.Thr1219Ile).